The following is an entry in ClinVar:

ClinVar aggregate classification (germline): Uncertain significance (1 of 4 stars; one submission).

Conditions:
VPS16-related disorder. Also called: VPS16-related condition.

gnomAD v4.1: 2 of 1,613,916 alleles (0.00012%); highest among the groups gnomAD compares: Non-Finnish European, 0.00017%; no homozygotes.

Submission:

PreventionGenetics, part of Exact Sciences
Classification: Uncertain significance for VPS16-related condition. Last evaluated: 2025-08-23. Review status: criteria provided, single submitter. Criteria: ACMG Guidelines, 2015. Collection method: clinical testing. Allele origin: germline.
Comment: The VPS16 c.941A>T variant is predicted to result in the amino acid substitution p.Asp314Val. To our knowledge, this variant has not been reported in the literature. This variant is reported in 0.00088% of alleles in individuals of European (Non-Finnish) descent in gnomAD. At this time, the clinical significance of this variant is uncertain due to the absence of conclusive functional and genetic evidence.

NM_022575.4(VPS16):c.941A>T (p.Asp314Val)

Gene: VPS16 (VPS16 core subunit of CORVET and HOPS complexes; plus strand). Cytogenetic location: 20p13.
Variant type: single nucleotide variant.
Coding change: c.941A>T on transcript NM_022575.4 (MANE Select); coding-DNA position 941, A replaced by T.
Protein change: p.Asp314Val; replaces aspartic acid 314 with valine.
Molecular consequence: missense variant. On other transcripts: intron variant (1).
Genome position (GRCh38, 1-based): chr20:2,861,846, A>T. VCF-style: chr20-2861846-A-T. GRCh37 (hg19) VCF-style: chr20-2842492-A-T.
Other names: c.899+142A>T (NM_080413.3); short protein forms D314V.
Identifiers: ClinVar variation 5001251 (VCV005001251.1).
Genomic context (GRCh38, chr20:2,861,846, plus strand): 5'-GAGCCTTAACCAAGCTCAGGTTTGTGCTGGATGAGGACTCCTACCTGGTGCCTGAGCTCG[A>T]TGGGGTCCGCATCTTCTCCCGCAGCACCCACGAGTTCCTGCATGAGGTTCCAGGTGAGGC-3'
Protein context (NP_072097.2, residues 304-324): DEDSYLVPEL[Asp314Val]GVRIFSRSTH